The following is an entry in ClinVar:

NM_001040108.2(MLH3):c.2747C>A (p.Thr916Lys)

Gene: MLH3 (mutL homolog 3; minus strand). Cytogenetic location: 14q24.3.
Variant type: single nucleotide variant.
Coding change: c.2747C>A on transcript NM_001040108.2 (MANE Select); coding-DNA position 2747, C replaced by A.
Protein change: p.Thr916Lys; replaces threonine 916 with lysine.
Molecular consequence: missense variant.
Genome position (GRCh38, 1-based): chr14:75,046,909, G>T on the plus strand (C>A on the coding strand, the complement: MLH3 is on the minus strand). VCF-style: chr14-75046909-G-T. GRCh37 (hg19) VCF-style: chr14-75513612-G-T.
Other names: c.2747C>A, p.Thr916Lys (NM_014381.3); short protein forms T916K.
Identifiers: ClinVar variation 1795495 (VCV001795495.2), dbSNP rs2139556423, ClinGen allele CA390438722.

ClinVar aggregate classification (germline): Uncertain significance (1 of 4 stars; one submission).

Submission:

Ambry Genetics
Classification: Uncertain significance. Last evaluated: 2021-12-03. Review status: criteria provided, single submitter. Criteria: Ambry Variant Classification Scheme 2023. Collection method: clinical testing. Allele origin: germline.
Comment: The p.T916K variant (also known as c.2747C>A), located in coding exon 1 of the MLH3 gene, results from a C to A substitution at nucleotide position 2747. The threonine at codon 916 is replaced by lysine, an amino acid with similar properties. This amino acid position is conserved. In addition, this alteration is predicted to be tolerated by in silico analysis. Since supporting evidence is limited at this time, the clinical significance of this alteration remains unclear.